The following is an entry in ClinVar:

ClinVar aggregate classification (germline): Uncertain significance (1 of 4 stars; one submission).

Conditions:
Emery-Dreifuss muscular dystrophy 5, autosomal dominant (EDMD5). Also called: EMERY-DREIFUSS MUSCULAR DYSTROPHY 5. Identifiers: Orphanet 261, MedGen C2751805, MONDO:0013072, OMIM 612999.

gnomAD v4.1: 1 of 1,614,050 alleles (0.000062%); highest among the groups gnomAD compares: South Asian, 0.0011%; no homozygotes.

Submission:

Neuberg Centre For Genomic Medicine, NCGM
Classification: Uncertain significance for Emery-Dreifuss muscular dystrophy 5, autosomal dominant. Last evaluated: 2023-06-22. Review status: criteria provided, single submitter. Criteria: ACMG Guidelines, 2015. Collection method: clinical testing. Allele origin: germline. Inheritance: Autosomal dominant inheritance. Affected: yes.
Comment: The missense variant [c.6011G>C; p.Gly2004Ala] in the SYNE2 gene has not been reported previously as a pathogenic variant nor as a benign variant, to our knowledge. The p.Gly2004Ala variant is absent in gnomAD Exomes. This variant has not been submitted in the ClinVar database. Multiple lines of computational evidences (Polyphen - Probably damaging, SIFT - Damaging and MutationTaster - Disease causing) predict a damaging effect on protein structure and function for this variant. The reference amino acid change at this position on SYNE2 gene is predicted as conserved by GERP++ and PhyloP across 100 vertebrates. The amino acid Gly at position 2004 is changed to a Ala changing protein sequence and it might alter its composition and physicochemical properties. For these reasons, this variant has been classified as Variant of Uncertain Significance (VUS).

NM_182914.3(SYNE2):c.6011G>C (p.Gly2004Ala)

Gene: SYNE2 (spectrin repeat containing nuclear envelope protein 2; plus strand). Cytogenetic location: 14q23.2.
Variant type: single nucleotide variant.
Coding change: c.6011G>C on transcript NM_182914.3 (MANE Select); coding-DNA position 6011, G replaced by C.
Protein change: p.Gly2004Ala; replaces glycine 2004 with alanine.
Molecular consequence: missense variant.
Genome position (GRCh38, 1-based): chr14:64,025,180, G>C. VCF-style: chr14-64025180-G-C. GRCh37 (hg19) VCF-style: chr14-64491898-G-C.
Other names: c.6011G>C, p.Gly2004Ala (NM_015180.6); short protein forms G2004A.
Identifiers: ClinVar variation 3731485 (VCV003731485.1).
Genomic context (GRCh38, chr14:64,025,180, plus strand): 5'-GAATTTACAGGGAACAGTTTGAATCTGTGGCCCAATTGAACAACTCTTTGAAGGAATATG[G>C]GTTTACTGAAGAAGAAGAAATAATAATGGAAGCAACATGTTTGATGGATAGATACCAGAC-3'
Protein context (NP_878918.2, residues 1994-2014): AQLNNSLKEY[Gly2004Ala]FTEEEEIIME